The following is an entry in ClinVar:

NM_004082.5(DCTN1):c.2093C>T (p.Ser698Phe)

Gene: DCTN1 (dynactin subunit 1; minus strand). Cytogenetic location: 2p13.1.
Variant type: single nucleotide variant.
Coding change: c.2093C>T on transcript NM_004082.5 (MANE Select); coding-DNA position 2093, C replaced by T.
Protein change: p.Ser698Phe; replaces serine 698 with phenylalanine.
Molecular consequence: missense variant. On other transcripts: non-coding transcript variant (1).
Genome position (GRCh38, 1-based): chr2:74,367,787, G>A on the plus strand (C>T on the coding strand, the complement: DCTN1 is on the minus strand). VCF-style: chr2-74367787-G-A. GRCh37 (hg19) VCF-style: chr2-74594914-G-A.
Other names: c.2033C>T, p.Ser678Phe (NM_001135040.3); c.1691C>T, p.Ser564Phe (NM_001135041.3, NM_023019.4); c.1982C>T, p.Ser661Phe (NM_001190836.2); c.2072C>T, p.Ser691Phe (NM_001190837.2); c.2042C>T, p.Ser681Phe (NM_001378991.1); c.2024C>T, p.Ser675Phe (NM_001378992.1); short protein forms S564F, S661F, S691F, S678F, S675F, S681F, S698F.
Identifiers: ClinVar variation 2197826 (VCV002197826.4), dbSNP rs1674532634, ClinGen allele CA347351132.

ClinVar aggregate classification (germline): Uncertain significance (1 of 4 stars; one submission).

Conditions:
Amyotrophic lateral sclerosis type 1 (ALS1). Also called: AMYOTROPHIC LATERAL SCLEROSIS 1, FAMILIAL. Identifiers: Orphanet 803, MedGen C1862939, MONDO:0007103, OMIM 105400.
Perry syndrome. Also called: PARKINSONISM WITH ALVEOLAR HYPOVENTILATION AND MENTAL DEPRESSION. Identifiers: Orphanet 178509, MedGen C1868594, MONDO:0008201, OMIM 168605.
Neuronopathy, distal hereditary motor, type 7B. Also called: LOWER MOTOR NEURON DISEASE, DYNACTIN TYPE; NEURONOPATHY, DISTAL HEREDITARY MOTOR, AUTOSOMAL DOMINANT 14; NEURONOPATHY, DISTAL HEREDITARY MOTOR, HARDING TYPE VIIB; NEUROPATHY, DISTAL HEREDITARY MOTOR, HARDING TYPE VIIB; NEUROPATHY, DISTAL HEREDITARY MOTOR, WITH VOCAL CORD PARALYSIS, HARDING TYPE VIIB; HMN VIIB. Identifiers: Orphanet 139589, MedGen C1843315, MONDO:0011879, OMIM 607641.

Submission:

Labcorp Genetics (formerly Invitae), Labcorp
Classification: Uncertain significance for Amyotrophic lateral sclerosis type 1; Neuronopathy, distal hereditary motor, type 7B; Perry syndrome. Last evaluated: 2022-03-03. Review status: criteria provided, single submitter. Criteria: Invitae Variant Classification Sherloc (09022015). Collection method: clinical testing. Allele origin: germline.
Comment: This sequence change replaces serine, which is neutral and polar, with phenylalanine, which is neutral and non-polar, at codon 698 of the DCTN1 protein (p.Ser698Phe). In summary, the available evidence is currently insufficient to determine the role of this variant in disease. Therefore, it has been classified as a Variant of Uncertain Significance. Algorithms developed to predict the effect of missense changes on protein structure and function (SIFT, PolyPhen-2, Align-GVGD) all suggest that this variant is likely to be disruptive. This variant has not been reported in the literature in individuals affected with DCTN1-related conditions. This variant is not present in population databases (gnomAD no frequency).